The following is an entry in ClinVar:

ClinVar aggregate classification (germline): Uncertain significance (1 of 4 stars; one submission).

Submission:

GeneDx
Classification: Uncertain significance. Last evaluated: 2023-10-06. Review status: criteria provided, single submitter. Criteria: GeneDx Variant Classification Process June 2021. Collection method: clinical testing. Allele origin: germline. Affected: yes.
Comment: Has not been previously published as pathogenic or benign to our knowledge; Not observed at significant frequency in large population cohorts (gnomAD); In silico analysis supports that this missense variant has a deleterious effect on protein structure/function

NM_000229.2(LCAT):c.890A>G (p.Tyr297Cys)

Gene: LCAT (lecithin-cholesterol acyltransferase; minus strand). Cytogenetic location: 16q22.1.
Variant type: single nucleotide variant.
Coding change: c.890A>G on transcript NM_000229.2 (MANE Select); coding-DNA position 890, A replaced by G.
Protein change: p.Tyr297Cys; replaces tyrosine 297 with cysteine.
Molecular consequence: missense variant.
Genome position (GRCh38, 1-based): chr16:67,940,337, T>C on the plus strand (A>G on the coding strand, the complement: LCAT is on the minus strand). VCF-style: chr16-67940337-T-C. GRCh37 (hg19) VCF-style: chr16-67974240-T-C.
Other names: short protein forms Y297C.
Identifiers: ClinVar variation 3253064 (VCV003253064.1), dbSNP rs2544403035.